The following is an entry in ClinVar:

ClinVar aggregate classification (germline): Conflicting classifications of pathogenicity. Review status: criteria provided, conflicting classifications (1 of 4 stars). 8 submissions from 7 submitters: Pathogenic (1); Likely pathogenic (6); Uncertain significance (1). Last evaluated 2025-11-21.

Conditions:
ERCC2-related disorder. Also called: ERCC2-related conditions; ERCC2-related condition; ERCC2-related disorders. Identifiers: MedGen CN239291.
Xeroderma pigmentosum (XP). Identifiers: Orphanet 910, MedGen C0043346, MONDO:0019600.
Cerebrooculofacioskeletal syndrome 2 (COFS2). Identifiers: MedGen C1853102, MONDO:0012553, OMIM 610756.
Trichothiodystrophy 1, photosensitive (TTD1). Also called: TAY SYNDROME; TRICHOTHIODYSTROPHY WITH CONGENITAL ICHTHYOSIS; PIBIDS SYNDROME. Identifiers: Orphanet 33364, MedGen C1866504, MONDO:0011125, OMIM 601675.
Xeroderma pigmentosum, group D (XPD). Also called: XERODERMA PIGMENTOSUM IV; XP, GROUP D; XP, GROUP H; ERCC2-Related Xeroderma Pigmentosum; XERODERMA PIGMENTOSUM, COMPLEMENTATION GROUP D. Identifiers: MedGen C0268138, MONDO:0010212, OMIM 278730.

Allele frequency attached by ClinVar (database versions not stated): TOPMed 0.00003.

Submissions (8):

PreventionGenetics, part of Exact Sciences
Classification: Likely pathogenic for ERCC2-related condition. Last evaluated: 2025-11-21. Review status: criteria provided, single submitter. Criteria: ACMG Guidelines, 2015. Collection method: clinical testing. Allele origin: germline.
Comment: The ERCC2 c.1847G>A variant is predicted to result in the amino acid substitution p.Arg616Gln. This variant is alternatively referred to as c.1878G>A in the literature. It has been reported in the compound heterozygous state in an individual with sun sensitivity who had no reported neurological abnormalities or history of skin cancer (Falik-Zaccai et al. 2012. PubMed ID: 22826098). It has also been reported in an individual with xeroderma pigmentosum (Schäfer et al. 2013. PubMed ID: 23800062). Studies in fibroblasts from a patient heterozygous for this variant and a second pathogenic ERCC2 variant (c.2047C>T, p.Arg638Trp) demonstrated reduced nucleotide excision repair (NER) capability (Schäfer et al. 2013. PubMed ID: 23800062). This variant is reported in 0.0062% of alleles in individuals of African descent in gnomAD. Alternate nucleotide changes affecting the same amino acid (p.Arg616Pro and p.Arg616Trp) have been reported in individuals with ERCC2-associated disease (Taylor et al. 1997. PubMed ID: 9238033; Graham et al. 2001. PubMed ID: 11443545; Kondo et al. 2016. PubMed ID: 27396511). This variant is interpreted as likely pathogenic.

Labcorp Genetics (formerly Invitae), Labcorp
Classification: Pathogenic. Last evaluated: 2025-09-02. Review status: criteria provided, single submitter. Criteria: Invitae Variant Classification Sherloc (09022015). Collection method: clinical testing. Allele origin: germline.
Comment: This sequence change replaces arginine, which is basic and polar, with glutamine, which is neutral and polar, at codon 616 of the ERCC2 protein (p.Arg616Gln). This variant is present in population databases (no rsID available, gnomAD 0.007%). This missense change has been observed in individual(s) with clinical features of xeroderma pigmentosum (PMID: 22826098, 22836098, 23800062). In at least one individual the data is consistent with being in trans (on the opposite chromosome) from a pathogenic variant. This variant is also known as c.1878G>A. ClinVar contains an entry for this variant (Variation ID: 997520). Invitae Evidence Modeling of protein sequence and biophysical properties (such as structural, functional, and spatial information, amino acid conservation, physicochemical variation, residue mobility, and thermodynamic stability) indicates that this missense variant is expected to disrupt ERCC2 protein function with a positive predictive value of 80%. This variant disrupts the p.Arg616 amino acid residue in ERCC2. Other variant(s) that disrupt this residue have been determined to be pathogenic (PMID: 9238033, 11443545, 22234153, 27396511). This suggests that this residue is clinically significant, and that variants that disrupt this residue are likely to be disease-causing. For these reasons, this variant has been classified as Pathogenic.

Blueprint Genetics
Classification: Likely pathogenic for ERCC2-related disorders. Last evaluated: 2024-10-16. Review status: criteria provided, single submitter. Criteria: ACMG Guidelines, 2015. Collection method: clinical testing. Allele origin: germline. Affected: yes. Observed: 4 variant alleles.

Fulgent Genetics
Classification: Likely pathogenic for Xeroderma pigmentosum, group D; Trichothiodystrophy 1, photosensitive; Cerebrooculofacioskeletal syndrome 2. Last evaluated: 2024-05-09. Review status: criteria provided, single submitter. Criteria: ACMG Guidelines, 2015. Collection method: clinical testing. Allele origin: germline.

Baylor Genetics
Classification: Likely pathogenic for Cerebrooculofacioskeletal syndrome 2. Last evaluated: 2024-03-23. Review status: criteria provided, single submitter. Criteria: ACMG Guidelines, 2015. Collection method: clinical testing. Allele origin: unknown.

Women's Health and Genetics/Laboratory Corporation of America, LabCorp
Classification: Likely pathogenic for Xeroderma pigmentosum. Last evaluated: 2023-12-14. Review status: criteria provided, single submitter. Criteria: LabCorp Variant Classification Summary - May 2015. Collection method: clinical testing. Allele origin: germline.
Comment: Variant summary: ERCC2 c.1847G>A (p.Arg616Gln) results in a conservative amino acid change located in the ATP-dependent helicase, C-terminal (IPR006555) of the encoded protein sequence. Four of five in-silico tools predict a damaging effect of the variant on protein function. The variant allele was found at a frequency of 8e-06 in 250892 control chromosomes. c.1847G>A has been reported in the literature in trans or at a compound heterozygous state with a second pathogenic missense in at-least two individuals affected with Xeroderma Pigmentosum or mild Sun Sensitivity (examples, Falik-Zaccai_2012, Schafer_2013). Skin cells of whom showed reduced levels of XPD mRNAs, impaired nucleotide excision DNA repair capacity and reduced post-UV cell survival rates. Additionally, at least two variants at the Arg616 residue have been reported as associated with disease (p.Arg616Trp, p.Arg616Pro), suggesting that this codon is functionally important. These data indicate that the variant may be associated with disease. To our knowledge, no experimental evidence demonstrating an impact on protein function has been reported. The following publications have been ascertained in the context of this evaluation (PMID: 22826098, 23800062). Three submitters have cited clinical-significance assessments for this variant to ClinVar after 2014 (Likely pathogenic, n=1; VUS, n=2). Based on the evidence outlined above, the variant was classified as likely pathogenic.

Sema4
Classification: Likely pathogenic for Xeroderma pigmentosum. Last evaluated: 2021-05-21. Review status: criteria provided, single submitter. Criteria: Sema4 Curation Guidelines. Collection method: curation. Allele origin: germline.
Comment: The ERCC2 c.1847G>A (p.R616Q) variant has been reported in compound heterozygosity in 5 individuals with xeroderma pigmentosum and basal cell carcinoma (PMIDs 22826098, 7585650, 26884178, 23800062). This variant was observed in 1/16232 chromosomes in the African/African American subpopulation according to the Genome Aggregation Database (PMID: 32461654). This variant has been reported in ClinVar (Variation ID: 997520). In silico tools suggest the impact of the variant on protein function is deleterious. Functional studies utilizing the MTT assay on patient fibroblast cell lines indicated 40% survival as compared to wildtype (PMID 23800062). A different pathogenic missense change at this codon, c.1847G>C (p.R616P), has been reported in individuals affected with ovarian cancer, hepatocellular carcinoma, prostate cancer, and colorectal cancer (PMIDs 24448499, 26556299, 29478780), and 3 individuals with trichothiodystrophy and xeroderma pigmentosum (PMIDs 9238033, 7920640, 23221806). Based on the current evidence available, this variant is interpreted as likely pathogenic.

Baylor Genetics
Classification: Uncertain significance for Trichothiodystrophy 1, photosensitive. Last evaluated: 2020-07-28. Review status: criteria provided, single submitter. Criteria: ACMG Guidelines, 2015. Collection method: clinical testing. Allele origin: unknown. Affected: yes. Study: CSER-TexasKidsCanSeq.
Comment: This variant was determined to be of uncertain significance according to ACMG Guidelines, 2015 [PMID:25741868].

Literature cited by the submitters: PubMed 22826098 (cited by Labcorp Genetics (formerly Invitae), Labcorp and Women's Health and Genetics/Laboratory Corporation of America, LabCorp); PubMed 22836098 (cited by Labcorp Genetics (formerly Invitae), Labcorp); PubMed 23800062 (cited by 3 submitters); PubMed 9238033 (cited by Labcorp Genetics (formerly Invitae), Labcorp); PubMed 11443545 (cited by Labcorp Genetics (formerly Invitae), Labcorp); PubMed 22234153 (cited by Labcorp Genetics (formerly Invitae), Labcorp); PubMed 27396511 (cited by Labcorp Genetics (formerly Invitae), Labcorp).

NM_000400.4(ERCC2):c.1847G>A (p.Arg616Gln)

Gene: ERCC2 (ERCC excision repair 2, TFIIH core complex helicase subunit; minus strand). Cytogenetic location: 19q13.32.
Variant type: single nucleotide variant.
Coding change: c.1847G>A on transcript NM_000400.4 (MANE Select); coding-DNA position 1847, G replaced by A.
Protein change: p.Arg616Gln; replaces arginine 616 with glutamine.
Molecular consequence: missense variant.
Genome position (GRCh38, 1-based): chr19:45,352,801, C>T on the plus strand (G>A on the coding strand, the complement: ERCC2 is on the minus strand). VCF-style: chr19-45352801-C-T. GRCh37 (hg19) VCF-style: chr19-45856059-C-T.
Other names: short protein forms R616Q.
Identifiers: ClinVar variation 997520 (VCV000997520.15), dbSNP rs376556895, ClinGen allele CA308951355.